The following is an entry in ClinVar:

NM_018714.3(COG1):c.980C>T (p.Ser327Phe)

Genes: COG1 (component of oligomeric golgi complex 1; plus strand), LOC126862634 (CDK7 strongly-dependent group 2 enhancer GRCh37_chr17:71195948-71197147; plus strand). Cytogenetic location: 17q25.1.
Variant type: single nucleotide variant.
Coding change: c.980C>T on transcript NM_018714.3 (MANE Select); coding-DNA position 980, C replaced by T.
Protein change: p.Ser327Phe; replaces serine 327 with phenylalanine.
Molecular consequence: missense variant.
Genome position (GRCh38, 1-based): chr17:73,199,931, C>T. VCF-style: chr17-73199931-C-T. GRCh37 (hg19) VCF-style: chr17-71196070-C-T.
Other names: short protein forms S327F.
Identifiers: ClinVar variation 1419016 (VCV001419016.8), dbSNP rs2145096200, ClinGen allele CA400887867.
Genomic context (GRCh38, chr17:73,199,931, plus strand): 5'-GCACTGGTGTCCTGCAGGAAGAGATGAAACTCTGCAGCTGGTTTAAACACCTGCCAGCAT[C>T]CATCGTCGAGTTCCAGCCAACACTCCGAACCCTTGCACATCCCATCAGTCAGGAATACCT-3'
Protein context (NP_061184.1, residues 317-337): LCSWFKHLPA[Ser327Phe]IVEFQPTLRT

ClinVar aggregate classification (germline): Uncertain significance (1 of 4 stars; one submission).

Conditions:
COG1 congenital disorder of glycosylation (CDG2G). Also called: CONGENITAL DISORDER OF GLYCOSYLATION, TYPE IIg; CDG IIg; CDGII/COG1 CEREBROCOSTOMANDIBULAR-LIKE SYNDROME. Identifiers: Orphanet 263508, MedGen C2931011, MONDO:0012637, OMIM 611209.

Submission:

Labcorp Genetics (formerly Invitae), Labcorp
Classification: Uncertain significance for COG1 congenital disorder of glycosylation. Last evaluated: 2023-12-18. Review status: criteria provided, single submitter. Criteria: Invitae Variant Classification Sherloc (09022015). Collection method: clinical testing. Allele origin: germline.
Comment: This sequence change replaces serine, which is neutral and polar, with phenylalanine, which is neutral and non-polar, at codon 327 of the COG1 protein (p.Ser327Phe). This variant is not present in population databases (gnomAD no frequency). This variant has not been reported in the literature in individuals affected with COG1-related conditions. ClinVar contains an entry for this variant (Variation ID: 1419016). Advanced modeling of protein sequence and biophysical properties (such as structural, functional, and spatial information, amino acid conservation, physicochemical variation, residue mobility, and thermodynamic stability) performed at Invitae indicates that this missense variant is expected to disrupt COG1 protein function with a positive predictive value of 80%. In summary, the available evidence is currently insufficient to determine the role of this variant in disease. Therefore, it has been classified as a Variant of Uncertain Significance.